The following is an entry in ClinVar:

NM_015443.4(KANSL1):c.490dup (p.Ser164fs)

Gene: KANSL1 (KAT8 regulatory NSL complex subunit 1). Cytogenetic location: 17q21.31.
Variant type: Duplication.
Coding change: c.490dup on transcript NM_015443.4 (MANE Select); coding-DNA position 490, one base duplicated.
Protein change: p.Ser164fs; shifts the reading frame from serine 164.
Molecular consequence: frameshift variant. On other transcripts: intron variant (4).
Genome position: GRCh38 VCF-style: chr17-46171653-C-CT. GRCh37 (hg19) VCF-style: chr17-44249019-C-CT.
Other names: c.490dup, p.Ser164fs (NM_001193465.2, NM_001193466.2, NM_001379198.1 and 18 more transcripts); c.23+52017dup (NM_001405885.1, NM_001405884.1, NM_001405883.1 and 1 more transcripts); short protein forms S164fs.
Identifiers: ClinVar variation 3382563 (VCV003382563.2).

ClinVar aggregate classification (germline): Pathogenic (1 of 4 stars; one submission).

Conditions:
Koolen-de Vries syndrome (KDVS). Identifiers: Orphanet 96169, MedGen C1864871, MONDO:0012496, OMIM 610443.

Submission:

Juno Genomics, Hangzhou Juno Genomics, Inc
Classification: Pathogenic for Koolen-de Vries syndrome. Review status: criteria provided, single submitter. Criteria: ACMG Guidelines, 2015. Collection method: clinical testing. Allele origin: germline. Affected: yes.
Comment: Null variant in a gene where loss of function (LOF) is a known mechanism of disease.;Absent from controls (or at extremely low frequency if recessive) in Genome Aggregation Database, Exome Sequencing Project, 1000 Genomes Project, or Exome Aggregation Consortium.;De novo (both maternity and paternity confirmed) in a patient with the disease and no family history.